The following is an entry in ClinVar:

NM_004068.4(AP2M1):c.707+11C>T

Gene: AP2M1 (adaptor related protein complex 2 subunit mu 1; plus strand). Cytogenetic location: 3q27.1.
Variant type: single nucleotide variant.
Coding change: c.707+11C>T on transcript NM_004068.4 (MANE Select); 11 bases into the intron after coding-DNA position 707, C replaced by T.
Molecular consequence: intron variant.
Genome position (GRCh38, 1-based): chr3:184,181,237, C>T. VCF-style: chr3-184181237-C-T. GRCh37 (hg19) VCF-style: chr3-183899025-C-T.
Other names: c.782+11C>T (NM_001311198.2); c.701+11C>T (NM_001025205.2).
Identifiers: ClinVar variation 2005443 (VCV002005443.4), dbSNP rs2473724156, ClinGen allele CA2580070495.

ClinVar aggregate classification (germline): Uncertain significance (1 of 4 stars; one submission).

Submission:

Labcorp Genetics (formerly Invitae), Labcorp
Classification: Uncertain significance. Last evaluated: 2022-06-13. Review status: criteria provided, single submitter. Criteria: Invitae Variant Classification Sherloc (09022015). Collection method: clinical testing. Allele origin: germline.
Comment: In summary, the available evidence is currently insufficient to determine the role of this variant in disease. Therefore, it has been classified as a Variant of Uncertain Significance. Algorithms developed to predict the effect of sequence changes on RNA splicing suggest that this variant may disrupt the consensus splice site. This variant has not been reported in the literature in individuals affected with AP2M1-related conditions. This variant is not present in population databases (gnomAD no frequency). This sequence change falls in intron 7 of the AP2M1 gene. It does not directly change the encoded amino acid sequence of the AP2M1 protein.